The following is an entry in ClinVar:

ClinVar aggregate classification (germline): Likely benign (1 of 4 stars; one submission).

Conditions:
TEK-related disorder. Also called: TEK-related condition.

gnomAD v4.1: 68 of 1,613,838 alleles (0.0042%); highest among the groups gnomAD compares: East Asian, 0.067%; no homozygotes.

Submission:

PreventionGenetics, part of Exact Sciences
Classification: Likely benign for TEK-related condition. Last evaluated: 2026-02-26. Review status: criteria provided, single submitter. Criteria: ACMG Guidelines, 2015. Collection method: clinical testing. Allele origin: germline.
Comment: This variant is classified as likely benign based on ACMG/AMP sequence variant interpretation guidelines (Richards et al. 2015 PMID: 25741868, with internal and published modifications).

NM_000459.5(TEK):c.1164G>A (p.Pro388=)

Gene: TEK (TEK receptor tyrosine kinase; plus strand). Cytogenetic location: 9p21.2.
Variant type: single nucleotide variant.
Coding change: c.1164G>A on transcript NM_000459.5 (MANE Select); coding-DNA position 1164, G replaced by A.
Protein change: p.Pro388=; no amino-acid change (proline 388 retained).
Molecular consequence: synonymous variant.
Genome position (GRCh38, 1-based): chr9:27,183,592, G>A. VCF-style: chr9-27183592-G-A. GRCh37 (hg19) VCF-style: chr9-27183590-G-A.
Other names: c.1035G>A, p.Pro345= (NM_001290077.2, NM_001375476.1); c.723G>A, p.Pro241= (NM_001290078.2); c.1164G>A, p.Pro388= (NM_001375475.1).
Identifiers: ClinVar variation 4981018 (VCV004981018.1).
Genomic context (GRCh38, chr9:27,183,592, plus strand): 5'-CATTTGCAAAGCTTCTGGCTGGCCGCTACCTACTAATGAAGAAATGACCCTGGTGAAGCC[G>A]GATGGGACAGTGCTCCATGTAAGAGCCATTCTTAATTTGCCCTTCTTAAAGCATGAGATG-3'
Protein context (NP_000450.3, residues 378-398): PTNEEMTLVK[Pro388=]DGTVLHPKDF